The following is an entry in ClinVar:

ClinVar aggregate classification (germline): Uncertain significance (1 of 4 stars; one submission).

Submission:

Labcorp Genetics (formerly Invitae), Labcorp
Classification: Uncertain significance. Last evaluated: 2024-10-15. Review status: criteria provided, single submitter. Criteria: Invitae Variant Classification Sherloc (09022015). Collection method: clinical testing. Allele origin: germline.
Comment: This sequence change replaces methionine, which is neutral and non-polar, with valine, which is neutral and non-polar, at codon 1278 of the PLXNA2 protein (p.Met1278Val). This variant is not present in population databases (gnomAD no frequency). This variant has not been reported in the literature in individuals affected with PLXNA2-related conditions. ClinVar contains an entry for this variant (Variation ID: 1489807). Invitae Evidence Modeling of protein sequence and biophysical properties (such as structural, functional, and spatial information, amino acid conservation, physicochemical variation, residue mobility, and thermodynamic stability) indicates that this missense variant is expected to disrupt PLXNA2 protein function with a positive predictive value of 80%. In summary, the available evidence is currently insufficient to determine the role of this variant in disease. Therefore, it has been classified as a Variant of Uncertain Significance.

NM_025179.4(PLXNA2):c.3832A>G (p.Met1278Val)

Gene: PLXNA2 (plexin A2; minus strand). Cytogenetic location: 1q32.2.
Variant type: single nucleotide variant.
Coding change: c.3832A>G on transcript NM_025179.4 (MANE Select); coding-DNA position 3832, A replaced by G.
Protein change: p.Met1278Val; replaces methionine 1278 with valine.
Molecular consequence: missense variant.
Genome position (GRCh38, 1-based): chr1:208,044,550, T>C on the plus strand (A>G on the coding strand, the complement: PLXNA2 is on the minus strand). VCF-style: chr1-208044550-T-C. GRCh37 (hg19) VCF-style: chr1-208217895-T-C.
Other names: short protein forms M1278V.
Identifiers: ClinVar variation 1489807 (VCV001489807.6), dbSNP rs1376686047, ClinGen allele CA344563379.
Genomic context (GRCh38, chr1:208,044,550, plus strand): 5'-GGGTGTGCTTCCACTAACCTTCCTTGCACTCCAAGGCCACACGGGACTCCAGATTGTCCA[T>C]CTGCATTTGCAGCCGCTTGAGAGTGAGGTCATTTTCTCGAGACTTGCGCTTGTAGGCAAT-3'
Protein context (NP_079455.3, residues 1268-1288): DLTLKRLQMQ[Met1278Val]DNLESRVALE